The following is an entry in ClinVar:

ClinVar aggregate classification (germline): Likely benign. Review status: criteria provided, multiple submitters, no conflicts (2 of 4 stars). 8 submissions from 8 submitters: Likely benign (8). Last evaluated 2026-06-05.

Conditions:
Hypertrophic cardiomyopathy. Also called: HYPERTROPHIC MYOCARDIOPATHY. Identifiers: Orphanet 217569, MedGen C0007194, MeSH D002312, MONDO:0005045, HP:0001639.
Cardiovascular phenotype. Identifiers: MedGen CN230736.
Cardiomyopathy (CMYO). Also called: Cardiomyopathies. Identifiers: Orphanet 167848, MedGen C0878544, MONDO:0004994, HP:0001638. Inheritance: Various modes of inheritance.

Allele frequency attached by ClinVar (database versions not stated): gnomAD exomes below 0.00001 and 0.00001; gnomAD 0.00004 and 0.00003; ExAC 0.00001; TOPMed 0.00005; 1000 Genomes Project 30x 0.00016; 1000 Genomes Project 0.00020.
gnomAD v4.1: 19 of 1,614,176 alleles (0.0012%); highest among the groups gnomAD compares: African/African-American, 0.02%; no homozygotes.

Submissions (8):

Women's Health and Genetics/Laboratory Corporation of America, LabCorp
Classification: Likely benign. Last evaluated: 2026-06-05. Review status: criteria provided, single submitter. Criteria: LabCorp Variant Classification Summary - May 2015. Collection method: clinical testing. Allele origin: germline.

Labcorp Genetics (formerly Invitae), Labcorp
Classification: Likely benign for Hypertrophic cardiomyopathy. Last evaluated: 2026-01-09. Review status: criteria provided, single submitter. Criteria: Invitae Variant Classification Sherloc (09022015). Collection method: clinical testing. Allele origin: germline.

Molecular Diagnostic Laboratory for Inherited Cardiovascular Disease, Montreal Heart Institute
Classification: Likely benign. Last evaluated: 2025-04-09. Review status: criteria provided, single submitter. Criteria: ACMG Guidelines, 2015. Collection method: clinical testing. Allele origin: germline. Affected: no.

All of Us Research Program, National Institutes of Health
Classification: Likely benign for Cardiomyopathy. Last evaluated: 2024-08-23. Review status: criteria provided, single submitter. Criteria: ACMG Guidelines, 2015. Collection method: clinical testing. Allele origin: germline. Inheritance: Autosomal dominant inheritance. Observed: 7 variant alleles, 7 heterozygotes.
Comment: This study involves interpretation of variants in research participants for the purpose of population health screening. Participant phenotype was not available at the time of variant classification. Additional details can be found in publication PMID: 35346344, PMCID: PMC8962531

Ambry Genetics
Classification: Likely benign for Cardiovascular phenotype. Last evaluated: 2019-07-01. Review status: criteria provided, single submitter. Criteria: Ambry Variant Classification Scheme 2023. Collection method: clinical testing. Allele origin: germline.

Color Diagnostics, LLC DBA Color Health
Classification: Likely benign for Cardiomyopathy. Last evaluated: 2019-02-25. Review status: criteria provided, single submitter. Criteria: ACMG Guidelines, 2015. Collection method: clinical testing. Allele origin: germline.

GeneDx
Classification: Likely benign. Last evaluated: 2018-08-08. Review status: criteria provided, single submitter. Criteria: GeneDx Variant Classification Process June 2021. Collection method: clinical testing. Allele origin: germline. Affected: yes.
Comment: This variant is associated with the following publications: (PMID: 24503780)

Laboratory for Molecular Medicine, Mass General Brigham Personalized Medicine
Classification: Likely benign. Last evaluated: 2016-03-18. Review status: criteria provided, single submitter. Criteria: LMM Criteria. Collection method: clinical testing. Allele origin: germline. Observed: 3 variant alleles.
Comment: p.Ser879Ser in exon 22 of MYH7: This variant is not expected to have clinical si gnificance because it does not alter an amino acid residue and is not located wi thin the splice consensus sequence. It has been identified in 1/10402 African ch romosomes by the Exome Aggregation Consortium (ExAC. org; dbSNP rs199915408).

NM_000257.4(MYH7):c.2637C>T (p.Ser879=)

Genes: MYH7 (myosin heavy chain 7; minus strand), LOC126861898 (BRD4-independent group 4 enhancer GRCh37_chr14:23893609-23894808; plus strand). Cytogenetic location: 14q11.2.
Variant type: single nucleotide variant.
Coding change: c.2637C>T on transcript NM_000257.4 (MANE Select); coding-DNA position 2637, C replaced by T.
Protein change: p.Ser879=; no amino-acid change (serine 879 retained).
Molecular consequence: synonymous variant.
Genome position (GRCh38, 1-based): chr14:23,424,811, G>A on the plus strand (C>T on the coding strand, the complement: MYH7 is on the minus strand). VCF-style: chr14-23424811-G-A. GRCh37 (hg19) VCF-style: chr14-23894020-G-A.
Identifiers: ClinVar variation 42920 (VCV000042920.23), dbSNP rs199915408, ClinGen allele CA012778.